The following is an entry in ClinVar:

NM_000044.6(AR):c.2287C>G (p.Leu763Val)

Gene: AR (androgen receptor; plus strand). Cytogenetic location: Xq12.
Variant type: single nucleotide variant.
Coding change: c.2287C>G on transcript NM_000044.6 (MANE Select); coding-DNA position 2287, C replaced by G.
Protein change: p.Leu763Val; replaces leucine 763 with valine.
Molecular consequence: missense variant.
Genome position (GRCh38, 1-based): chrX:67,717,591, C>G. VCF-style: chrX-67717591-C-G. GRCh37 (hg19) VCF-style: chrX-66937433-C-G.
Other names: c.691C>G, p.Leu231Val (NM_001011645.3); short protein forms L231V, L763V.
Identifiers: ClinVar variation 3336685 (VCV003336685.1).

ClinVar aggregate classification (germline): Likely pathogenic (1 of 4 stars; one submission).

Conditions:
Androgen resistance syndrome (AIS). Also called: ANDROGEN RECEPTOR DEFICIENCY; DIHYDROTESTOSTERONE RECEPTOR DEFICIENCY; TESTICULAR FEMINIZATION SYNDROME; Androgen insensitivity syndrome; Androgen insensitivity, complete; Androgen insensitivity syndrome due to coactivator deficiency. Identifiers: Orphanet 754, Orphanet 99429, MedGen C0039585, MONDO:0019154, OMIM 300068. Disease mechanism: loss of function.

Submission:

Genetics Department, Polish Mother's Memorial Hospital Research Institute
Classification: Likely pathogenic for Androgen resistance syndrome. Last evaluated: 2024-07-04. Review status: criteria provided, single submitter. Criteria: ACMG Guidelines, 2015. Collection method: research. Allele origin: germline. Affected: yes.
Comment: The detected NM_000044.6:c.2287C>G p.(Leu763Val) variant causes a missense change involving the alteration of a conserved nucleotide. The variant was absent in control chromosomes in populational databases. The in-silico tools predicted a pathogenic outcome for this variant. The variant was not submitted to ClinVar or the other variant databases. However, it was described in the literature as casual for CAIS[6]. Another variant affecting the same amino acid position but resulting in a different missense (i.e., Leu763Phe) has been classified as likely pathogenic in ClinVar. The variant is localized in the hotspot region in the window of +/- 8 amino acids, where six missense changes were described as pathogenic, two as uncertain, and none as benign or likely benign. The variant was classified as likely pathogenic with 8 ACMG points (criteria: PS4_supporting, PM1, PM2, PM5, PP3, PP4).